The following is an entry in ClinVar:

ClinVar aggregate classification (germline): Uncertain significance (1 of 4 stars; one submission).

Conditions:
Cardiovascular phenotype. Identifiers: MedGen CN230736.

Submission:

Ambry Genetics
Classification: Uncertain significance for Cardiovascular phenotype. Last evaluated: 2023-11-17. Review status: criteria provided, single submitter. Criteria: Ambry Variant Classification Scheme 2023. Collection method: clinical testing. Allele origin: germline.
Comment: The p.G118* variant (also known as c.352G>T), located in coding exon 1 of the ALPK3 gene, results from a G to T substitution at nucleotide position 352. This changes the amino acid from a glycine to a stop codon within coding exon 1. This alteration is expected to result in loss of function by premature protein truncation or nonsense-mediated mRNA decay. However, based on data from gnomAD, several loss of function alterations in the first exon of ALPK3 (p.C64* and p.E148Qfs*8) are too frequent to cause disease given the incidence of pediatric cardiomyopathy. The abundance of nonsense and frameshift alleles in the first exon in population databases brings into question the pathogenicity of loss of function alterations in N-terminus of ALPK3 and suggests the possibility of an alternative start site. Since supporting evidence is limited at this time, the clinical significance of this alteration remains unclear.

NM_020778.4(ALPK3):c.352G>T (p.Gly118Ter)

Gene: ALPK3 (alpha kinase 3; plus strand). Cytogenetic location: 15q25.3.
Variant type: single nucleotide variant.
Coding change: c.352G>T on transcript NM_020778.4; coding-DNA position 352, G replaced by T.
Protein change: p.Gly118Ter; replaces glycine 118 with a stop codon.
Genome position (GRCh38, 1-based): chr15:84,817,198, G>T. VCF-style: chr15-84817198-G-T. GRCh37 (hg19) VCF-style: chr15-85360429-G-T.
Other names: short protein forms G118*.
Identifiers: ClinVar variation 3227471 (VCV003227471.1), dbSNP rs1355325381, ClinGen allele CA393368740.